The following is an entry in ClinVar:

NM_015386.3(COG4):c.14T>C (p.Met5Thr)

Gene: COG4 (component of oligomeric golgi complex 4; minus strand). Cytogenetic location: 16q22.1.
Variant type: single nucleotide variant.
Coding change: c.14T>C on transcript NM_015386.3 (MANE Select); coding-DNA position 14, T replaced by C.
Protein change: p.Met5Thr; replaces methionine 5 with threonine.
Molecular consequence: missense variant. On other transcripts: initiator codon variant (1), 5 prime UTR variant (1), non-coding transcript variant (1).
Genome position (GRCh38, 1-based): chr16:70,523,530, A>G on the plus strand (T>C on the coding strand, the complement: COG4 is on the minus strand). VCF-style: chr16-70523530-A-G. GRCh37 (hg19) VCF-style: chr16-70557433-A-G.
Other names: c.2T>C, p.Met1Thr (NM_001195139.2); c.-586T>C (NM_001365426.1); short protein forms M5T, M1T.
Identifiers: ClinVar variation 431906 (VCV000431906.5), dbSNP rs750500740, ClinGen allele CA8144861.
Genomic context (GRCh38, chr16:70,523,530, plus strand): 5'-CCCACCCCCTCAGACGGCTGCTGCACCCCTGACAGCTTCGGAGGCGAATCAAGGTCCGCC[A>G]TCTTGGTCCCCATTCGGCACTTCCGGTCCCGCGAGGCCCCCTCTTCGTTGGCGCCTATTT-3'
Protein context (NP_056201.2, residues 1-15): MGTK[Met5Thr]ADLDSPPKLS

ClinVar aggregate classification (germline): Uncertain significance. Review status: criteria provided, multiple submitters, no conflicts (2 of 4 stars). 2 submissions from 2 submitters: Uncertain significance (2). Last evaluated 2023-06-22.

Conditions:
Inborn genetic diseases. Identifiers: MedGen C0950123, MeSH D030342.

Allele frequency attached by ClinVar (database versions not stated): gnomAD exomes below 0.00001 and 0.00001; ExAC 0.00001; gnomAD 0.00001.
gnomAD v4.1: 8 of 1,613,698 alleles (0.0005%); highest among the groups gnomAD compares: Admixed American, 0.0017%; no homozygotes.

Submissions (2):

Ambry Genetics
Classification: Uncertain significance for Inborn genetic diseases. Last evaluated: 2023-06-22. Review status: criteria provided, single submitter. Criteria: Ambry Variant Classification Scheme 2023. Collection method: clinical testing. Allele origin: germline.

GeneDx
Classification: Uncertain significance. Last evaluated: 2016-08-05. Review status: criteria provided, single submitter. Criteria: GeneDx Variant Classification (06012015). Collection method: clinical testing. Allele origin: germline. Affected: yes.
Comment: The M5T variant in the COG4 gene has not been published as a pathogenic variant, nor has it been reported as a benign variant to our knowledge. The M5T variant was not observed in approximately 6,500 individuals of European and African American ancestry in the NHLBI Exome Sequencing Project, indicating it is not a common benign variant in these populations. The M5T variant is a non-conservative amino acid substitution, which is likely to impact secondary protein structure as these residues differ in polarity, charge, size and/or other properties. In addition, this substitution occurs at a position that is conserved across mammalian species. However, in silico analysis is inconsistent in its predictions as to whether or not the variant is damaging to the protein structure/function. We interpret M5T as a variant of uncertain significance.